The following is an entry in ClinVar:

NM_001384900.1(SEMA3D):c.1958G>A (p.Arg653Gln)

Genes: SEMA3D (semaphorin 3D; minus strand), LOC126860094 (BRD4-independent group 4 enhancer GRCh37_chr7:84628763-84629962; plus strand). Cytogenetic location: 7q21.11.
Variant type: single nucleotide variant.
Coding change: c.1958G>A on transcript NM_001384900.1 (MANE Select); coding-DNA position 1958, G replaced by A.
Protein change: p.Arg653Gln; replaces arginine 653 with glutamine.
Molecular consequence: missense variant.
Genome position (GRCh38, 1-based): chr7:84,999,816, C>T on the plus strand (G>A on the coding strand, the complement: SEMA3D is on the minus strand). VCF-style: chr7-84999816-C-T. GRCh37 (hg19) VCF-style: chr7-84629132-C-T.
Other names: c.1958G>A, p.Arg653Gln (NM_001384901.1, NM_001384902.1, NM_001384903.1 and 1 more transcripts); short protein forms R653Q.
Identifiers: ClinVar variation 3351052 (VCV003351052.2).

ClinVar aggregate classification (germline): Uncertain significance. Review status: criteria provided, single submitter (1 of 4 stars). 2 submissions from 2 submitters: Uncertain significance (1). 1 of the submissions does not count toward it. Last evaluated 2025-03-07.

Conditions:
SEMA3D-related disorder. Also called: SEMA3D-related condition.

gnomAD v4.1: 9 of 1,613,948 alleles (0.00056%); highest among the groups gnomAD compares: East Asian, 0.0045%; no homozygotes.

Submissions (2):

Ambry Genetics
Classification: Uncertain significance. Last evaluated: 2025-03-07. Review status: criteria provided, single submitter. Criteria: Ambry Variant Classification Scheme 2023. Collection method: clinical testing. Allele origin: germline.

PreventionGenetics, part of Exact Sciences
Classification: Uncertain significance for SEMA3D-related condition. Last evaluated: 2024-09-05. Review status: no assertion criteria provided. Collection method: clinical testing. Allele origin: germline. Not counted in ClinVar's aggregate classification.
Comment: The SEMA3D c.1958G>A variant is predicted to result in the amino acid substitution p.Arg653Gln. To our knowledge, this variant has not been reported in the literature or in a large population database, indicating this variant is rare. At this time, the clinical significance of this variant is uncertain due to the absence of conclusive functional and genetic evidence.